The following is an entry in ClinVar:

ClinVar aggregate classification (germline): Uncertain significance (1 of 4 stars; one submission).

Conditions:
Neurofibromatosis, type 1 (NF1). Also called: VON RECKLINGHAUSEN DISEASE; NEUROFIBROMATOSIS, TYPE I, SOMATIC; Peripheral type neurofibromatosis; Neurofibromatosis, type I. Identifiers: Orphanet 636, MedGen C0027831, MONDO:0018975, OMIM 162200. Disease mechanism: loss of function.

Submission:

Labcorp Genetics (formerly Invitae), Labcorp
Classification: Uncertain significance for Neurofibromatosis, type 1. Last evaluated: 2021-09-01. Review status: criteria provided, single submitter. Criteria: Invitae Variant Classification Sherloc (09022015). Collection method: clinical testing. Allele origin: germline.
Comment: This sequence change replaces serine with phenylalanine at codon 1135 of the NF1 protein (p.Ser1135Phe). The serine residue is moderately conserved and there is a large physicochemical difference between serine and phenylalanine. This variant is not present in population databases (ExAC no frequency). This variant has not been reported in the literature in individuals affected with NF1-related conditions. Algorithms developed to predict the effect of missense changes on protein structure and function are either unavailable or do not agree on the potential impact of this missense change (SIFT: "Deleterious"; PolyPhen-2: "Probably Damaging"; Align-GVGD: "Class C0"). In summary, the available evidence is currently insufficient to determine the role of this variant in disease. Therefore, it has been classified as a Variant of Uncertain Significance.

NM_001042492.3(NF1):c.3404C>T (p.Ser1135Phe)

Gene: NF1 (neurofibromin 1; plus strand). Cytogenetic location: 17q11.2.
Variant type: single nucleotide variant.
Coding change: c.3404C>T on transcript NM_001042492.3 (MANE Select); coding-DNA position 3404, C replaced by T.
Protein change: p.Ser1135Phe; replaces serine 1135 with phenylalanine.
Molecular consequence: missense variant.
Genome position (GRCh38, 1-based): chr17:31,232,789, C>T. VCF-style: chr17-31232789-C-T. GRCh37 (hg19) VCF-style: chr17-29559807-C-T.
Other names: c.3404C>T, p.Ser1135Phe (NM_000267.4); short protein forms S1135F.
Identifiers: ClinVar variation 527504 (VCV000527504.3), dbSNP rs1555614952, ClinGen allele CA398989161.